The following is an entry in ClinVar:

NM_016373.4(WWOX):c.52C>G (p.Leu18Val)

Gene: WWOX (WW domain containing oxidoreductase; plus strand). Cytogenetic location: 16q23.1.
Variant type: single nucleotide variant.
Coding change: c.52C>G on transcript NM_016373.4 (MANE Select); coding-DNA position 52, C replaced by G.
Protein change: p.Leu18Val; replaces leucine 18 with valine.
Molecular consequence: missense variant. On other transcripts: 5 prime UTR variant (1), non-coding transcript variant (2).
Genome position (GRCh38, 1-based): chr16:78,099,830, C>G. VCF-style: chr16-78099830-C-G. GRCh37 (hg19) VCF-style: chr16-78133727-C-G.
Other names: c.-223C>G (NM_001291997.2); c.52C>G, p.Leu18Val (NM_130791.5); c.52C>G (NM_016373.3); short protein forms L18V.
Identifiers: ClinVar variation 1037991 (VCV001037991.7), dbSNP rs776553279, ClinGen allele CA8182982.

ClinVar aggregate classification (germline): Uncertain significance. Review status: criteria provided, multiple submitters, no conflicts (2 of 4 stars). 2 submissions from 2 submitters: Uncertain significance (2). Last evaluated 2025-01-09.

Conditions:
Autosomal recessive spinocerebellar ataxia 12. Also called: SPINOCEREBELLAR ATAXIA WITH MENTAL RETARDATION AND EPILEPSY. Identifiers: Orphanet 284282, MedGen C3280452, MONDO:0013687, OMIM 614322.
Developmental and epileptic encephalopathy, 1 (DEE1). Also called: X-linked infantile spasms; West's syndrome; Tonic spasms with clustering, arrest of psychomotor development and hypsarrhythmia on EEG; X-Linked Infantile Spasm Syndrome; OHTAHARA SYNDROME, X-LINKED; Epileptic encephalopathy, early infantile, 1. Identifiers: MedGen C3463992, MONDO:0010632, OMIM 308350. Disease mechanism: loss of function.

Allele frequency attached by ClinVar (database versions not stated): ExAC below 0.00001; TOPMed 0.00002.
gnomAD v4.1: 40 of 1,581,926 alleles (0.0025%); highest among the groups gnomAD compares: Admixed American, 0.009%; no homozygotes.

Submissions (2):

Athena Diagnostics
Classification: Uncertain significance. Last evaluated: 2025-01-09. Review status: criteria provided, single submitter. Criteria: Athena Diagnostics Criteria. Collection method: clinical testing. Allele origin: unknown.
Comment: Available data are insufficient to determine the clinical significance of the variant at this time. The frequency of this variant in the general population is uninformative in assessment of its pathogenicity. Polyphen and MutationTaster yielded discordant predictions regarding whether this amino acid change is damaging to the protein.

Labcorp Genetics (formerly Invitae), Labcorp
Classification: Uncertain significance for Developmental and epileptic encephalopathy, 1; Autosomal recessive spinocerebellar ataxia 12. Last evaluated: 2022-10-22. Review status: criteria provided, single submitter. Criteria: Invitae Variant Classification Sherloc (09022015). Collection method: clinical testing. Allele origin: germline.
Comment: This sequence change replaces leucine, which is neutral and non-polar, with valine, which is neutral and non-polar, at codon 18 of the WWOX protein (p.Leu18Val). This variant is present in population databases (rs776553279, gnomAD 0.01%). This variant has not been reported in the literature in individuals affected with WWOX-related conditions. ClinVar contains an entry for this variant (Variation ID: 1037991). Algorithms developed to predict the effect of missense changes on protein structure and function are either unavailable or do not agree on the potential impact of this missense change (SIFT: "Not Available"; PolyPhen-2: "Probably Damaging"; Align-GVGD: "Not Available"). Algorithms developed to predict the effect of sequence changes on RNA splicing suggest that this variant may create or strengthen a splice site. In summary, the available evidence is currently insufficient to determine the role of this variant in disease. Therefore, it has been classified as a Variant of Uncertain Significance.